The following is an entry in ClinVar:

ClinVar aggregate classification (germline): Uncertain significance (1 of 4 stars; one submission).

Allele frequency attached by ClinVar (database versions not stated): gnomAD exomes below 0.00001.
gnomAD v4.1: 2 of 1,613,794 alleles (0.00012%); highest among the groups gnomAD compares: Non-Finnish European, 0.00017%; no homozygotes.

Submission:

Labcorp Genetics (formerly Invitae), Labcorp
Classification: Uncertain significance. Last evaluated: 2025-10-27. Review status: criteria provided, single submitter. Criteria: Invitae Variant Classification Sherloc (09022015). Collection method: clinical testing. Allele origin: germline.
Comment: This sequence change replaces glutamine, which is neutral and polar, with arginine, which is basic and polar, at codon 742 of the HPS6 protein (p.Gln742Arg). This variant is present in population databases (no rsID available, gnomAD 0.0009%). This variant has not been reported in the literature in individuals affected with HPS6-related conditions. ClinVar contains an entry for this variant (Variation ID: 1519198). Invitae Evidence Modeling of protein sequence and biophysical properties (such as structural, functional, and spatial information, amino acid conservation, physicochemical variation, residue mobility, and thermodynamic stability) indicates that this missense variant is not expected to disrupt HPS6 protein function with a negative predictive value of 80%. In summary, the available evidence is currently insufficient to determine the role of this variant in disease. Therefore, it has been classified as a Variant of Uncertain Significance.

NM_024747.6(HPS6):c.2225A>G (p.Gln742Arg)

Gene: HPS6 (HPS6 biogenesis of lysosomal organelles complex 2 subunit 3; plus strand). Cytogenetic location: 10q24.32.
Variant type: single nucleotide variant.
Coding change: c.2225A>G on transcript NM_024747.6 (MANE Select); coding-DNA position 2225, A replaced by G.
Protein change: p.Gln742Arg; replaces glutamine 742 with arginine.
Molecular consequence: missense variant.
Genome position (GRCh38, 1-based): chr10:102,067,699, A>G. VCF-style: chr10-102067699-A-G. GRCh37 (hg19) VCF-style: chr10-103827456-A-G.
Other names: short protein forms Q742R.
Identifiers: ClinVar variation 1519198 (VCV001519198.6), dbSNP rs1385640157, ClinGen allele CA377877290.